The following is an entry in ClinVar:

NC_000011.9:g.(?_2606422)_(2608942_?)del

Gene: KCNQ1 (potassium voltage-gated channel subfamily Q member 1; plus strand). Cytogenetic location: 11p15.5.
Variant type: Deletion.
Identifiers: ClinVar variation 1074802 (VCV001074802.8).

ClinVar aggregate classification (germline): Pathogenic (1 of 4 stars; one submission).

Conditions:
Long QT syndrome (LQTS). Identifiers: MedGen C0023976, MeSH D008133, MONDO:0002442. Disease mechanism: loss of function. Inheritance: Various modes of inheritance.

Submission:

Labcorp Genetics (formerly Invitae), Labcorp
Classification: Pathogenic for Long QT syndrome. Last evaluated: 2016-10-18. Review status: criteria provided, single submitter. Criteria: Invitae Variant Classification Sherloc (09022015). Collection method: clinical testing. Allele origin: germline.
Comment: For these reasons, this sequence change has been classified as Pathogenic. Missense substitutions (p.Lys362Arg, p.Arg380Ser) within exons 8-9 are reported to be deleterious (PMID: 15840476,¬†24947509, 15840476, 17222736). This indicates that exons 8-9 are important for KCNQ1 protein function Similar deletions of exons encompassing 8-9 have been reported in the literature in individuals affected with long QT syndrome (PMID:25494010, 24606995). This variant is a gross deletion of the genomic region encompassing exons 8-9 of the KCNQ1 gene. This leads to an in-frame deletion, preserving the integrity of the reading frame.

Literature cited by the submitters: PubMed 15840476; PubMed 25494010; PubMed 24606995.